The following is an entry in ClinVar:

NM_001370100.5(ZMYND11):c.278A>G (p.Asp93Gly)

Gene: ZMYND11 (zinc finger MYND-type containing 11; plus strand). Cytogenetic location: 10p15.3.
Variant type: single nucleotide variant.
Coding change: c.278A>G on transcript NM_001370100.5 (MANE Select); coding-DNA position 278, A replaced by G.
Protein change: p.Asp93Gly; replaces aspartic acid 93 with glycine.
Molecular consequence: missense variant. On other transcripts: non-coding transcript variant (1), intron variant (18).
Genome position (GRCh38, 1-based): chr10:221,196, A>G. VCF-style: chr10-221196-A-G. GRCh37 (hg19) VCF-style: chr10-267136-A-G.
Other names: c.278A>G, p.Asp93Gly (NM_001202468.1, NM_001370097.3, NM_001370098.2 and 10 more transcripts); c.227A>G, p.Asp76Gly (NM_001330057.3, NM_001370112.2); c.212A>G, p.Asp71Gly (NM_001370116.2); c.158A>G, p.Asp53Gly (NM_001370118.2); c.276+11148A>G (NM_001370103.2, NM_001370104.2, NM_001370105.2 and 11 more transcripts); c.210+11148A>G (NM_001370120.2); c.-33-15642A>G (NM_001370124.3); c.225+11148A>G (NM_001370123.2); and 1 more; short protein forms D71G, D76G, D93G, D53G.
Identifiers: ClinVar variation 5009316 (VCV005009316.1).
Genomic context (GRCh38, chr10:221,196, plus strand): 5'-CTTAGTCATTGCAGATATTGACAAAATGTCATACAAAACTATTTTGTACTTTTTTGTAGG[A>G]CTGGGAAACAGAAAATCATGACTGGTATTGTTTTGAATGCCATTTGCCTGGAGAGGTGTT-3'
Protein context (NP_001357029.1, residues 83-103): EGYWLPGDEI[Asp93Gly]WETENHDWYC

ClinVar aggregate classification (germline): Uncertain significance (1 of 4 stars; one submission).

Submission:

GeneDx
Classification: Uncertain significance. Last evaluated: 2026-03-17. Review status: criteria provided, single submitter. Criteria: GeneDx Variant Classification Process June 2021. Collection method: clinical testing. Allele origin: germline.
Comment: Not observed at significant frequency in large population cohorts (gnomAD); In silico analysis suggests that this missense variant does not alter protein structure/function; Has not been previously published as pathogenic or benign to our knowledge.